The following is an entry in ClinVar:

ClinVar aggregate classification (germline): Conflicting classifications of pathogenicity. Review status: criteria provided, conflicting classifications (1 of 4 stars). 3 submissions from 3 submitters: Uncertain significance (2); Likely benign (1). Last evaluated 2025-01-10.

Conditions:
Junctional epidermolysis bullosa with pyloric atresia. Also called: ITGB4-Related Epidermolysis Bullosa with Pyloric Atresia; ITGA6-Related Epidermolysis Bullosa with Pyloric Atresia; EPIDERMOLYSIS BULLOSA, JUNCTIONAL 5B, WITH PYLORIC ATRESIA; Epidermolysis bullosa, junctional, with pyloric atresia and aplasia cutis congenita; Epidermolysis bullosa junctionalis with pyloric atresia; Junctional Epidermolysis Bullosa- Pyloric Atresia Syndrome. Identifiers: Orphanet 79403, MedGen C5676875, MONDO:0009183, OMIM 226730.
Epidermolysis bullosa, junctional 5A, intermediate. Also called: EPIDERMOLYSIS BULLOSA, JUNCTIONAL 5A, GENERALIZED INTERMEDIATE; EPIDERMOLYSIS BULLOSA, JUNCTIONAL 5A, NON-HERLITZ TYPE. Identifiers: MedGen C5676956, MONDO:0030768, OMIM 619816.

Allele frequency attached by ClinVar (database versions not stated): gnomAD 0.00002; TOPMed 0.00002; gnomAD exomes 0.00009; ExAC 0.00020.
gnomAD v4.1: 130 of 1,614,084 alleles (0.0081%); highest among the groups gnomAD compares: South Asian, 0.13%; 1 homozygote.

Submissions (3):

Mayo Clinic Laboratories, Mayo Clinic
Classification: Uncertain significance. Last evaluated: 2025-01-10. Review status: criteria provided, single submitter. Criteria: ACMG Guidelines, 2015. Collection method: clinical testing. Allele origin: germline. Observed: 1 variant allele.
Comment: BS1, PP3

Fulgent Genetics
Classification: Uncertain significance for Junctional epidermolysis bullosa with pyloric atresia; Epidermolysis bullosa, junctional 5A, intermediate. Last evaluated: 2024-04-12. Review status: criteria provided, single submitter. Criteria: ACMG Guidelines, 2015. Collection method: clinical testing. Allele origin: germline.

Labcorp Genetics (formerly Invitae), Labcorp
Classification: Likely benign. Last evaluated: 2024-02-29. Review status: criteria provided, single submitter. Criteria: Invitae Variant Classification Sherloc (09022015). Collection method: clinical testing. Allele origin: germline.

NM_000213.5(ITGB4):c.1609G>A (p.Glu537Lys)

Gene: ITGB4 (integrin subunit beta 4; plus strand). Cytogenetic location: 17q25.1.
Variant type: single nucleotide variant.
Coding change: c.1609G>A on transcript NM_000213.5 (MANE Select); coding-DNA position 1609, G replaced by A.
Protein change: p.Glu537Lys; replaces glutamic acid 537 with lysine.
Molecular consequence: missense variant.
Genome position (GRCh38, 1-based): chr17:75,733,644, G>A. VCF-style: chr17-75733644-G-A. GRCh37 (hg19) VCF-style: chr17-73729725-G-A.
Other names: p.Glu537Lys; c.1609G>A, p.Glu537Lys (NM_001005619.2, NM_001005731.3, NM_001321123.2); short protein forms E537K.
Identifiers: ClinVar variation 2888428 (VCV002888428.5), dbSNP rs749548974, ClinGen allele CA8769066.